The following is an entry in ClinVar:

NM_003356.4(UCP3):c.824+9C>T

Gene: UCP3 (uncoupling protein 3; minus strand). Cytogenetic location: 11q13.4.
Variant type: single nucleotide variant.
Coding change: c.824+9C>T on transcript NM_003356.4 (MANE Select); 9 bases into the intron after coding-DNA position 824, C replaced by T.
Molecular consequence: intron variant. On other transcripts: 3 prime UTR variant (1).
Genome position (GRCh38, 1-based): chr11:74,003,818, G>A on the plus strand (C>T on the coding strand, the complement: UCP3 is on the minus strand). VCF-style: chr11-74003818-G-A. GRCh37 (hg19) VCF-style: chr11-73714863-G-A.
Other names: c.*5C>T (NM_022803.3).
Identifiers: ClinVar variation 3354643 (VCV003354643.1).

ClinVar aggregate classification (germline): Likely benign (0 of 4 stars; one submission).

Conditions:
UCP3-related disorder. Also called: UCP3-related condition.

Submission:

PreventionGenetics, part of Exact Sciences
Classification: Likely benign for UCP3-related condition. Last evaluated: 2023-11-09. Review status: no assertion criteria provided. Collection method: clinical testing. Allele origin: germline.
Comment: This variant is classified as likely benign based on ACMG/AMP sequence variant interpretation guidelines (Richards et al. 2015 PMID: 25741868, with internal and published modifications).